The following is an entry in ClinVar:

NM_001257308.2(MINAR2):c.310G>A (p.Glu104Lys)

Gene: MINAR2 (membrane integral NOTCH2 associated receptor 2; plus strand). Cytogenetic location: 5q23.3.
Variant type: single nucleotide variant.
Coding change: c.310G>A on transcript NM_001257308.2 (MANE Select); coding-DNA position 310, G replaced by A.
Protein change: p.Glu104Lys; replaces glutamic acid 104 with lysine.
Molecular consequence: missense variant.
Genome position (GRCh38, 1-based): chr5:129,760,522, G>A. VCF-style: chr5-129760522-G-A. GRCh37 (hg19) VCF-style: chr5-129096215-G-A.
Other names: short protein forms E104K.
Identifiers: ClinVar variation 3356684 (VCV003356684.1).

ClinVar aggregate classification (germline): Likely benign (0 of 4 stars; one submission).

Conditions:
MINAR2-related condition.

gnomAD v4.1: 333 of 1,535,652 alleles (0.022%); highest among the groups gnomAD compares: African/African-American, 0.39%; no homozygotes.

Submission:

PreventionGenetics, part of Exact Sciences
Classification: Likely benign for MINAR2-related condition. Last evaluated: 2024-04-25. Review status: no assertion criteria provided. Collection method: clinical testing. Allele origin: germline.
Comment: This variant is classified as likely benign based on ACMG/AMP sequence variant interpretation guidelines (Richards et al. 2015 PMID: 25741868, with internal and published modifications).